The following is an entry in ClinVar:

ClinVar aggregate classification (germline): Likely benign. Review status: criteria provided, multiple submitters, no conflicts (2 of 4 stars). 2 submissions from 2 submitters: Likely benign (2). Last evaluated 2026-08-01.

Conditions:
Nemaline myopathy 2 (NEM2). Also called: Nemaline myopathy 2, autosomal recessive. Identifiers: MedGen C1850569, MONDO:0009725, OMIM 256030.

gnomAD v4.1: 1 of 1,611,516 alleles (0.000062%); highest among the groups gnomAD compares: East Asian, 0.0022%; no homozygotes.

Submissions (2):

CeGaT Center for Human Genetics Tuebingen
Classification: Likely benign. Last evaluated: 2026-08-01. Review status: criteria provided, single submitter. Criteria: CeGaT Center For Human Genetics Tuebingen Variant Classification Criteria Version 2. Collection method: clinical testing. Allele origin: germline. Affected: yes. Observed: 1 variant allele.
Comment: NEB: BP4

Labcorp Genetics (formerly Invitae), Labcorp
Classification: Likely benign for Nemaline myopathy 2. Last evaluated: 2020-04-06. Review status: criteria provided, single submitter. Criteria: Invitae Variant Classification Sherloc (09022015). Collection method: clinical testing. Allele origin: germline.

NM_001164508.2(NEB):c.11805+7C>G

Gene: NEB (nebulin; minus strand). Cytogenetic location: 2q23.3.
Variant type: single nucleotide variant.
Coding change: c.11805+7C>G on transcript NM_001164508.2 (MANE Select); 7 bases into the intron after coding-DNA position 11805, C replaced by G.
Molecular consequence: intron variant.
Genome position (GRCh38, 1-based): chr2:151,612,179, G>C on the plus strand (C>G on the coding strand, the complement: NEB is on the minus strand). VCF-style: chr2-151612179-G-C. GRCh37 (hg19) VCF-style: chr2-152468693-G-C.
Other names: c.11076+7C>G (NM_004543.5); c.11805+7C>G (NM_001164507.2, NM_001271208.2).
Identifiers: ClinVar variation 1133953 (VCV001133953.10), dbSNP rs2153982791, ClinGen allele CA2499215085.